The following is an entry in ClinVar:

ClinVar aggregate classification (germline): Conflicting classifications of pathogenicity. Review status: criteria provided, conflicting classifications (1 of 4 stars). 8 submissions from 8 submitters: Uncertain significance (1); Likely benign (6). 1 of the submissions does not count toward it. Last evaluated 2026-01-16.

Conditions:
Cardiovascular phenotype. Identifiers: MedGen CN230736.
Glycogen storage disease, type II (IOPD). Also called: Glucosidase acid-1,4-alpha deficiency; Glycogen storage disease type 2; Acid maltase deficiency disease; Aglucosidase alfa; Deficiency of alpha-glucosidase; Deficiency of lysosomal alpha-glucosidase. Identifiers: Orphanet 365, MedGen C0017921, MONDO:0009290, OMIM 232300.

Allele frequency attached by ClinVar (database versions not stated): ESP Exome Variant Server 0.00008; 1000 Genomes Project 30x 0.00016; 1000 Genomes Project 0.00020.
gnomAD v4.1: 31 of 1,614,112 alleles (0.0019%); highest among the groups gnomAD compares: Admixed American, 0.037%; no homozygotes.

Submissions (8):

Labcorp Genetics (formerly Invitae), Labcorp
Classification: Likely benign for Glycogen storage disease, type II. Last evaluated: 2026-01-16. Review status: criteria provided, single submitter. Criteria: Invitae Variant Classification Sherloc (09022015). Collection method: clinical testing. Allele origin: germline.

Ambry Genetics
Classification: Likely benign for Cardiovascular phenotype. Last evaluated: 2025-08-30. Review status: criteria provided, single submitter. Criteria: Ambry Variant Classification Scheme 2023. Collection method: clinical testing. Allele origin: germline.

Blueprint Genetics
Classification: Likely benign. Last evaluated: 2023-11-28. Review status: criteria provided, single submitter. Criteria: ACMG Guidelines, 2015. Collection method: clinical testing. Allele origin: germline.

Genome-Nilou Lab
Classification: Likely benign for Glycogen storage disease, type II. Last evaluated: 2021-07-22. Review status: criteria provided, single submitter. Criteria: ACMG Guidelines, 2015. Collection method: clinical testing. Allele origin: germline. Affected: no.

Broad Center for Mendelian Genomics, Broad Institute of MIT and Harvard
Classification: Likely benign for Glycogen storage disease, type II. Last evaluated: 2020-01-22. Review status: criteria provided, single submitter. Criteria: ACMG Guidelines, 2015. Collection method: curation. Allele origin: germline. Inheritance: Autosomal recessive inheritance.
Comment: The c.1536C>T (p.Phe512=) variant in GAA has not been previously reported in individuals with Glycogen Storage Disease II but has been reported as a VUS by EGL Genetic Diagnostics and a likely benign variant by Invitae and GeneDx in ClinVar (Variation ID: 284111). This variant has been identified in 0.009% (3/34582) of Latino chromosomes and 0.007% (2/30616) of South Asian chromosomes by the Genome Aggregation Database (gnomAD; dbSNP rs143491365). Although this variant has been seen in the general population, its frequency is low enough to be consistent with a recessive carrier frequency. Computational prediction tools and conservation analyses suggest that this variant may not impact the protein, though this information is not predictive enough to rule out pathogenicity. However, novel synonymous variants supported by computational evidence without raised suspicion for an impact are likely benign (Richards 2015). In summary, although additional studies are required to fully establish its clinical significance, this variant is likely benign. ACMG/AMP Criteria applied: PM2, BP4, BP7 (Richards 2015).

GeneDx
Classification: Likely benign. Last evaluated: 2017-10-26. Review status: criteria provided, single submitter. Criteria: GeneDx Variant Classification (06012015). Collection method: clinical testing. Allele origin: germline. Affected: yes.
Comment: This variant is considered likely benign or benign based on one or more of the following criteria: it is a conservative change, it occurs at a poorly conserved position in the protein, it is predicted to be benign by multiple in silico algorithms, and/or has population frequency not consistent with disease.

Eurofins Ntd Llc (ga)
Classification: Uncertain significance. Last evaluated: 2017-08-22. Review status: criteria provided, single submitter. Criteria: EGL Classification Definitions 2015. Collection method: clinical testing. Allele origin: germline. Observed: 2 variant alleles, 2 heterozygotes.

Natera, Inc.
Classification: Likely benign for Glycogen storage disease type II. Last evaluated: 2020-02-27. Review status: no assertion criteria provided. Collection method: clinical testing. Allele origin: germline. Not counted in ClinVar's aggregate classification.

NM_000152.5(GAA):c.1536C>T (p.Phe512=)

Gene: GAA (alpha glucosidase; plus strand). Cytogenetic location: 17q25.3.
Variant type: single nucleotide variant.
Coding change: c.1536C>T on transcript NM_000152.5 (MANE Select); coding-DNA position 1536, C replaced by T.
Protein change: p.Phe512=; no amino-acid change (phenylalanine 512 retained).
Molecular consequence: synonymous variant.
Genome position (GRCh38, 1-based): chr17:80,110,825, C>T. VCF-style: chr17-80110825-C-T. GRCh37 (hg19) VCF-style: chr17-78084624-C-T.
Other names: c.1536C>T (LRG_673t1); c.1536C>T, p.Phe512= (NM_001079803.3, NM_001079804.3).
Identifiers: ClinVar variation 284111 (VCV000284111.26), dbSNP rs143491365, ClinGen allele CA8815359.
Genomic context (GRCh38, chr17:80,110,825, plus strand): 5'-CCCCACAGCCCTGGCCTGGTGGGAGGACATGGTGGCTGAGTTCCATGACCAGGTGCCCTT[C>T]GACGGCATGTGGATTGTAAGTGTGGCCCCCTCCTGAGCATCCCCAAGGCCTCTGGGGACT-3'
Protein context (NP_000143.2, residues 502-522): MVAEFHDQVP[Phe512=]DGMWIDMNEP